The following is an entry in ClinVar:

NM_147127.5(EVC2):c.2706+5G>T

Gene: EVC2 (EvC ciliary complex subunit 2; minus strand). Cytogenetic location: 4p16.2.
Variant type: single nucleotide variant.
Coding change: c.2706+5G>T on transcript NM_147127.5 (MANE Select); 5 bases into the intron after coding-DNA position 2706, G replaced by T.
Molecular consequence: intron variant.
Genome position (GRCh38, 1-based): chr4:5,618,473, C>A on the plus strand (G>T on the coding strand, the complement: EVC2 is on the minus strand). VCF-style: chr4-5618473-C-A. GRCh37 (hg19) VCF-style: chr4-5620200-C-A.
Other names: c.2466+5G>T (NM_001166136.2).
Identifiers: ClinVar variation 1431919 (VCV001431919.4), dbSNP rs747272944, ClinGen allele CA2834622.
Genomic context (GRCh38, chr4:5,618,473, plus strand): 5'-CTGTAGGGCCAGCAGCTGGGAGACGGCCCTGCTTCTGTAATCGGCCACTGACAGGTCCAT[C>A]CTACCTGCAGCTCAGGGGCAGCCACGGCCTGGTCCAGCTTCACGAACTCTGCTTCTCGCC-3'

ClinVar aggregate classification (germline): Uncertain significance (1 of 4 stars; one submission).

Conditions:
Curry-Hall syndrome (WAD). Also called: WEYERS ACRODENTAL DYSOSTOSIS. Identifiers: Orphanet 952, MedGen C0457013, MONDO:0008673, OMIM 193530.
Ellis-van Creveld syndrome (EVC). Also called: MESOECTODERMAL DYSPLASIA; EVC-Related Ellis-van Creveld Syndrome; EVC2-Related Ellis-van Creveld Syndrome; Chondroectodermal dysplasia. Identifiers: Orphanet 289, MedGen C0013903, MONDO:0009162, OMIM 225500.

Allele frequency attached by ClinVar (database versions not stated): gnomAD 0.00001; gnomAD exomes 0.00001; TOPMed 0.00001; ExAC 0.00002.
gnomAD v4.1: 18 of 1,612,526 alleles (0.0011%); highest among the groups gnomAD compares: Non-Finnish European, 0.0015%; no homozygotes.

Submission:

Labcorp Genetics (formerly Invitae), Labcorp
Classification: Uncertain significance for Curry-Hall syndrome; Ellis-van Creveld syndrome. Last evaluated: 2021-06-19. Review status: criteria provided, single submitter. Criteria: Invitae Variant Classification Sherloc (09022015). Collection method: clinical testing. Allele origin: germline.
Comment: This sequence change falls in intron 15 of the EVC2 gene. It does not directly change the encoded amino acid sequence of the EVC2 protein. It affects a nucleotide within the consensus splice site of the intron. This variant is present in population databases (rs747272944, ExAC 0.003%). This variant has not been reported in the literature in individuals with EVC2-related conditions. Nucleotide substitutions within the consensus splice site are a relatively common cause of aberrant splicing (PMID: 17576681, 9536098). Algorithms developed to predict the effect of sequence changes on RNA splicing suggest that this variant may disrupt the consensus splice site, but this prediction has not been confirmed by published transcriptional studies. In summary, the available evidence is currently insufficient to determine the role of this variant in disease. Therefore, it has been classified as a Variant of Uncertain Significance.

Literature cited by the submitters: PubMed 17576681; PubMed 9536098.